The following is an entry in ClinVar:

ClinVar aggregate classification (germline): Conflicting classifications of pathogenicity. Review status: criteria provided, conflicting classifications (1 of 4 stars). 9 submissions from 9 submitters: Uncertain significance (3); Likely benign (4). 2 of the submissions do not count toward it. Last evaluated 2026-09-01.

Conditions:
PKD1-related disorder. Also called: PKD1-related condition.
Polycystic kidney disease, adult type (PKD1). Also called: POLYCYSTIC KIDNEY DISEASE, ADULT, TYPE I; Polycystic Kidney, Autosomal Dominant; POLYCYSTIC KIDNEY DISEASE 1 WITH OR WITHOUT POLYCYSTIC LIVER DISEASE; Polycystic Kidney Disease 1, Autosomal Dominant; Polycystic kidney disease 1; Polycystic kidney disease 1, severe. Identifiers: MedGen C3149841, MONDO:0008263, OMIM 173900.
Polycystic kidney disease. Also called: Polycystic kidney dysplasia; Kidney, Polycystic. Identifiers: MedGen C0022680, MeSH D007690, MONDO:0020642, HP:0000113.

Allele frequency attached by ClinVar (database versions not stated): 1000 Genomes Project 30x 0.00016; 1000 Genomes Project 0.00020; ExAC 0.00100; gnomAD exomes 0.00106 and 0.00237; TOPMed 0.00127; gnomAD 0.00135; ESP Exome Variant Server 0.00216.
gnomAD v4.1: 3,687 of 1,612,336 alleles (0.23%); highest among the groups gnomAD compares: Non-Finnish European, 0.29%; 2 homozygotes.

Submissions (9):

CeGaT Center for Human Genetics Tuebingen
Classification: Likely benign. Last evaluated: 2026-09-01. Review status: criteria provided, single submitter. Criteria: CeGaT Center For Human Genetics Tuebingen Variant Classification Criteria Version 2. Collection method: clinical testing. Allele origin: germline. Affected: yes. Observed: 5 variant alleles.
Comment: PKD1: BP4, BS3:Supporting

Mayo Clinic Laboratories, Mayo Clinic
Classification: Likely benign. Last evaluated: 2025-10-23. Review status: criteria provided, single submitter. Criteria: ACMG Guidelines, 2015. Collection method: clinical testing. Allele origin: germline. Observed: 2 variant alleles.
Comment: BS1, BP4, BP7

Blueprint Genetics
Classification: Likely benign. Last evaluated: 2024-11-26. Review status: criteria provided, single submitter. Criteria: ACMG Guidelines, 2015. Collection method: clinical testing. Allele origin: germline.

GeneDx
Classification: Likely benign. Last evaluated: 2024-10-04. Review status: criteria provided, single submitter. Criteria: GeneDx Variant Classification Process June 2021. Collection method: clinical testing. Allele origin: germline. Affected: yes.
Comment: See Variant Classification Assertion Criteria.

Revvity Omics, Revvity
Classification: Uncertain significance for Polycystic kidney disease, adult type. Last evaluated: 2019-07-15. Review status: criteria provided, single submitter. Criteria: ACMG Guidelines, 2015. Collection method: clinical testing. Allele origin: germline.

Fulgent Genetics
Classification: Uncertain significance for Polycystic kidney disease, adult type. Last evaluated: 2018-10-31. Review status: criteria provided, single submitter. Criteria: ACMG Guidelines, 2015. Collection method: clinical testing. Allele origin: unknown.

ARUP Laboratories, Molecular Genetics and Genomics, ARUP Laboratories
Classification: Uncertain significance. Last evaluated: 2017-01-29. Review status: criteria provided, single submitter. Criteria: ARUP Molecular Germline Variant Investigation Process. Collection method: clinical testing. Allele origin: germline.

PreventionGenetics, part of Exact Sciences
Classification: Likely benign for PKD1-related condition. Last evaluated: 2024-08-13. Review status: no assertion criteria provided. Collection method: clinical testing. Allele origin: germline. Not counted in ClinVar's aggregate classification.
Comment: This variant is classified as likely benign based on ACMG/AMP sequence variant interpretation guidelines (Richards et al. 2015 PMID: 25741868, with internal and published modifications).

Department of Pathology and Laboratory Medicine, Sinai Health System
Classification: Likely benign for Polycystic Kidney disease. Review status: no assertion criteria provided. Collection method: clinical testing. Allele origin: unknown. Affected: yes. Study: The Canadian Open Genetics Repository (COGR). Not counted in ClinVar's aggregate classification.
Comment: The PKD1 c.11017-3C>T variant was identified in 1 of 48 proband chromosomes (frequency: 0.02) from American individuals or families with ADPKD and no family history (Reed 2008). The variant was inherited from an unaffected parent however it was not identified in 150 control chromosomes from healthy individuals (Reed 2008). The variant was also identified in dbSNP (ID: rs185355445) as â€šÃ„ÃºNAâ€šÃ„Ã¹, the ADPKD Mutation Database (classification likely neutral), the 1000 Genomes Project in 1 of 5000 chromosomes (frequency: 0.0002), HAPMAP-EUR in 1 of 1006 chromosomes (frequency: 0.001), NHLBI GO Exome Sequencing Project in 26 of 8598 European American alleles (frequency: 0.003) and in 2 of 4394 African American alleles (frequency: 0.0005), and in the Exome Aggregation Consortium database (August 8, 2016) in 119 of 118808 chromosomes (frequency: 0.001) in the following populations: European (Non-Finnish) in 110 of 64720 chromosomes (frequency: 0.002), Finnish in 3 of 6600 chromosomes (frequency: 0.0005), African in 3 of 9970 chromosomes (frequency: 0.0003), Latino in 3 of 11536 chromosomes (frequency: 0.0003), but was not seen in East Asian, South Asian, and Other populations. The variant was not identified in Clinvitae, ClinVar, GeneInsight-COGR, MutDB, PKD1-LOVD, and PKD1-LOVD 3.0. The c.11017-3C>T variant is located in the 3' splice region but does not affect the invariant -1 and -2 positions. However, positions -3 and -5 to -12 are part of the splicing consensus sequence and variants involving these positions sometimes affect splicing. In addition four of five in silico or computational prediction software programs (SpliceSiteFinder, MaxEntScan, NNSPLICE, GeneSplicer, HumanSpliceFinder) do not predict a greater than 10% difference in splicing. In summary, based on the above information, the clinical significance of this variant cannot be determined with certainty at this time although we would lean towards a more benign role for this variant. This variant is classified as likely benign.

Literature cited by the submitters: PubMed 18640754 (cited by Mayo Clinic Laboratories, Mayo Clinic); PubMed 22367170 (cited by Mayo Clinic Laboratories, Mayo Clinic).

NM_001009944.3(PKD1):c.11017-3C>T

Genes: PKD1 (polycystin 1, transient receptor potential channel interacting; minus strand), PKD1-AS1 (PKD1 antisense RNA 1; plus strand). Cytogenetic location: 16p13.3.
Variant type: single nucleotide variant.
Coding change: c.11017-3C>T on transcript NM_001009944.3 (MANE Select); 3 bases into the intron before coding-DNA position 11017, C replaced by T.
Molecular consequence: intron variant.
Genome position (GRCh38, 1-based): chr16:2,093,096, G>A on the plus strand (C>T on the coding strand, the complement: PKD1 is on the minus strand). VCF-style: chr16-2093096-G-A. GRCh37 (hg19) VCF-style: chr16-2143097-G-A.
Other names: p.?; c.11014-3C>T (NM_000296.4); c.11017-3C>T (NM_001009944.2).
Identifiers: ClinVar variation 440126 (VCV000440126.37), dbSNP rs185355445, ClinGen allele CA7829327.
Genomic context (GRCh38, chr16:2,093,096, plus strand): 5'-CATCCCCATAGCTGGCCAGCAGGGTCACCAGCAGAAAAAGCATGTACACCAGGAGGCTCT[G>A]GTGGACGGGGGGGCCCTGTGGTCAGCCTGGCCCCAGCCCACAGTGACAGCAGGGCTTTGG-3'